The following is an entry in ClinVar:

NM_004370.6(COL12A1):c.3128T>G (p.Val1043Gly)

Gene: COL12A1 (collagen type XII alpha 1 chain; minus strand). Cytogenetic location: 6q13.
Variant type: single nucleotide variant.
Coding change: c.3128T>G on transcript NM_004370.6 (MANE Select); coding-DNA position 3128, T replaced by G.
Protein change: p.Val1043Gly; replaces valine 1043 with glycine.
Molecular consequence: missense variant. On other transcripts: intron variant (1).
Genome position (GRCh38, 1-based): chr6:75,156,379, A>C on the plus strand (T>G on the coding strand, the complement: COL12A1 is on the minus strand). VCF-style: chr6-75156379-A-C. GRCh37 (hg19) VCF-style: chr6-75866095-A-C.
Other names: c.74-3897T>G (NM_080645.3); short protein forms V1043G.
Identifiers: ClinVar variation 1448683 (VCV001448683.8), dbSNP rs2149424377, ClinGen allele CA364753962.

ClinVar aggregate classification (germline): Uncertain significance (1 of 4 stars; one submission).

Conditions:
Ullrich congenital muscular dystrophy 2 (UCMD2). Identifiers: Orphanet 75840, MedGen C4225314, MONDO:0014654, OMIM 616470.
Bethlem myopathy 2 (BTHLM2). Identifiers: Orphanet 536516, Orphanet 610, MedGen C4225313, MONDO:0034022, OMIM 616471.

Submission:

Labcorp Genetics (formerly Invitae), Labcorp
Classification: Uncertain significance for Bethlem myopathy 2; Ullrich congenital muscular dystrophy 2. Last evaluated: 2021-06-15. Review status: criteria provided, single submitter. Criteria: Invitae Variant Classification Sherloc (09022015). Collection method: clinical testing. Allele origin: germline.
Comment: In summary, the available evidence is currently insufficient to determine the role of this variant in disease. Therefore, it has been classified as a Variant of Uncertain Significance. Algorithms developed to predict the effect of missense changes on protein structure and function are either unavailable or do not agree on the potential impact of this missense change (SIFT: "Deleterious"; PolyPhen-2: "Probably Damaging"; Align-GVGD: "Class C0"). This variant has not been reported in the literature in individuals with COL12A1-related conditions. This variant is not present in population databases (ExAC no frequency). This sequence change replaces valine with glycine at codon 1043 of the COL12A1 protein (p.Val1043Gly). The valine residue is highly conserved and there is a moderate physicochemical difference between valine and glycine.